The following is an entry in ClinVar:

NM_020778.5(ALPK3):c.4318C>T (p.Arg1440Cys)

Gene: ALPK3 (alpha kinase 3; plus strand). Cytogenetic location: 15q25.3.
Variant type: single nucleotide variant.
Coding change: c.4318C>T on transcript NM_020778.5 (MANE Select); coding-DNA position 4318, C replaced by T.
Protein change: p.Arg1440Cys; replaces arginine 1440 with cysteine.
Molecular consequence: missense variant.
Genome position (GRCh38, 1-based): chr15:84,862,823, C>T. VCF-style: chr15-84862823-C-T. GRCh37 (hg19) VCF-style: chr15-85406054-C-T.
Other names: short protein forms R1440C.
Identifiers: ClinVar variation 1402881 (VCV001402881.11), dbSNP rs200672174, ClinGen allele CA7709927.

ClinVar aggregate classification (germline): Uncertain significance. Review status: criteria provided, multiple submitters, no conflicts (2 of 4 stars). 4 submissions from 4 submitters: Uncertain significance (4). Last evaluated 2026-05-09.

Conditions:
ALPK3-related disorder. Also called: ALPK3-related condition.
Cardiovascular phenotype. Identifiers: MedGen CN230736.

Allele frequency attached by ClinVar (database versions not stated): ExAC 0.00002; gnomAD 0.00002 and 0.00003; gnomAD exomes 0.00002; TOPMed 0.00003; 1000 Genomes Project 30x 0.00016; 1000 Genomes Project 0.00020.
gnomAD v4.1: 44 of 1,614,144 alleles (0.0027%); highest among the groups gnomAD compares: Middle Eastern, 0.049%; 1 homozygote.

Submissions (4):

PreventionGenetics, part of Exact Sciences
Classification: Uncertain significance for ALPK3-related condition. Last evaluated: 2026-05-09. Review status: criteria provided, single submitter. Criteria: ACMG Guidelines, 2015. Collection method: clinical testing. Allele origin: germline.
Comment: The ALPK3 c.4924C>T variant is predicted to result in the amino acid substitution p.Arg1642Cys. To our knowledge, this variant has not been reported in the literature. This variant is reported in 0.015% of alleles in individuals of East Asian descent in gnomAD. At this time, the clinical significance of this variant is uncertain due to the absence of conclusive functional and genetic evidence.

Labcorp Genetics (formerly Invitae), Labcorp
Classification: Uncertain significance. Last evaluated: 2025-08-29. Review status: criteria provided, single submitter. Criteria: Invitae Variant Classification Sherloc (09022015). Collection method: clinical testing. Allele origin: germline.
Comment: This sequence change replaces arginine, which is basic and polar, with cysteine, which is neutral and slightly polar, at codon 1642 of the ALPK3 protein (p.Arg1642Cys). This variant is present in population databases (rs200672174, gnomAD 0.02%). This variant has not been reported in the literature in individuals affected with ALPK3-related conditions. ClinVar contains an entry for this variant (Variation ID: 1402881). Invitae Evidence Modeling of protein sequence and biophysical properties (such as structural, functional, and spatial information, amino acid conservation, physicochemical variation, residue mobility, and thermodynamic stability) indicates that this missense variant is not expected to disrupt ALPK3 protein function with a negative predictive value of 80%. In summary, the available evidence is currently insufficient to determine the role of this variant in disease. Therefore, it has been classified as a Variant of Uncertain Significance.

GeneDx
Classification: Uncertain significance. Last evaluated: 2024-02-28. Review status: criteria provided, single submitter. Criteria: GeneDx Variant Classification Process June 2021. Collection method: clinical testing. Allele origin: germline. Affected: yes.
Comment: Has not been previously published as pathogenic or benign to our knowledge; Not observed at significant frequency in large population cohorts (gnomAD); In silico analysis supports that this missense variant has a deleterious effect on protein structure/function

Ambry Genetics
Classification: Uncertain significance for Cardiovascular phenotype. Last evaluated: 2022-04-09. Review status: criteria provided, single submitter. Criteria: Ambry Variant Classification Scheme 2023. Collection method: clinical testing. Allele origin: germline.
Comment: The p.R1642C variant (also known as c.4924C>T), located in coding exon 10 of the ALPK3 gene, results from a C to T substitution at nucleotide position 4924. The arginine at codon 1642 is replaced by cysteine, an amino acid with highly dissimilar properties. This amino acid position is conserved. In addition, this alteration is predicted to be tolerated by in silico analysis. Since supporting evidence is limited at this time, the clinical significance of this alteration remains unclear.